The following is an entry in ClinVar:

ClinVar aggregate classification (germline): Uncertain significance. Review status: criteria provided, multiple submitters, no conflicts (2 of 4 stars). 2 submissions from 2 submitters: Uncertain significance (2). Last evaluated 2025-05-15.

Conditions:
Renal carnitine transport defect (CDSP). Also called: Primary carnitine deficiency; Systemic primary carnitine deficiency; Systemic primary carnitine deficiency disease; Carnitine transporter deficiency; Carnitine Deficiency, Systemic; CARNITINE DEFICIENCY, SYSTEMIC, DUE TO DEFECT IN RENAL REABSORPTION OF CARNITINE. Identifiers: Orphanet 158, MedGen C0342788, MONDO:0008919, OMIM 212140.

Allele frequency attached by ClinVar (database versions not stated): TOPMed 0.00001.
gnomAD v4.1: 15 of 1,613,814 alleles (0.00093%); highest among the groups gnomAD compares: Non-Finnish European, 0.0013%; no homozygotes.

Submissions (2):

Women's Health and Genetics/Laboratory Corporation of America, LabCorp
Classification: Uncertain significance. Last evaluated: 2025-05-15. Review status: criteria provided, single submitter. Criteria: LabCorp Variant Classification Summary - May 2015. Collection method: clinical testing. Allele origin: germline.
Comment: Variant summary: SLC22A5 c.1441G>T (p.Val481Phe) results in a non-conservative amino acid change in the encoded protein sequence. Algorithms developed to predict the effect of missense changes on protein structure and function are either unavailable or do not agree on the potential impact of this missense change. The variant was absent in 251254 control chromosomes. The available data on variant occurrences in the general population are insufficient to allow any conclusion about variant significance. c.1441G>T has been observed in an individual affected with Systemic Primary Carnitine Deficiency (Frigeni_2017); however, it is unclear whether this variant contributes to the phenotype in this individual. This variant has also been observed in normal individual(s) without Systemic Primary Carnitine Deficiency (Amat di San Filippo_2008). These report(s) do not provide unequivocal conclusions about association of the variant with Systemic Primary Carnitine Deficiency. At least one publication reports experimental evidence evaluating an impact on protein function. The most pronounced variant effect results in 63-68% of normal protein activity (Amat di San Filippo_2008, Frigeni_2017). The following publications have been ascertained in the context of this evaluation (PMID: 18337137, 28841266). ClinVar contains an entry for this variant (Variation ID: 2725233). Based on the evidence outlined above, the variant was classified as uncertain significance.

Labcorp Genetics (formerly Invitae), Labcorp
Classification: Uncertain significance for Renal carnitine transport defect. Last evaluated: 2023-11-29. Review status: criteria provided, single submitter. Criteria: Invitae Variant Classification Sherloc (09022015). Collection method: clinical testing. Allele origin: germline.
Comment: This sequence change replaces valine, which is neutral and non-polar, with phenylalanine, which is neutral and non-polar, at codon 481 of the SLC22A5 protein (p.Val481Phe). This variant is not present in population databases (gnomAD no frequency). This missense change has been observed in individual(s) with primary carnitine deficiency and/or SLC22A5-related conditions (PMID: 28841266; Invitae). In at least one individual the data is consistent with being in trans (on the opposite chromosome) from a pathogenic variant. Advanced modeling of protein sequence and biophysical properties (such as structural, functional, and spatial information, amino acid conservation, physicochemical variation, residue mobility, and thermodynamic stability) has been performed at Invitae for this missense variant, however the output from this modeling did not meet the statistical confidence thresholds required to predict the impact of this variant on SLC22A5 protein function. Experimental studies are conflicting or provide insufficient evidence to determine the effect of this variant on SLC22A5 function (PMID: 16931768, 18337137). In summary, the available evidence is currently insufficient to determine the role of this variant in disease. Therefore, it has been classified as a Variant of Uncertain Significance.

Literature cited by the submitters: PubMed 28841266 (cited by Women's Health and Genetics/Laboratory Corporation of America, LabCorp and Labcorp Genetics (formerly Invitae), Labcorp); PubMed 18337137 (cited by Women's Health and Genetics/Laboratory Corporation of America, LabCorp and Labcorp Genetics (formerly Invitae), Labcorp); PubMed 16931768 (cited by Labcorp Genetics (formerly Invitae), Labcorp).

NM_003060.4(SLC22A5):c.1441G>T (p.Val481Phe)

Gene: SLC22A5 (solute carrier family 22 member 5; plus strand). Cytogenetic location: 5q31.1.
Variant type: single nucleotide variant.
Coding change: c.1441G>T on transcript NM_003060.4 (MANE Select); coding-DNA position 1441, G replaced by T.
Protein change: p.Val481Phe; replaces valine 481 with phenylalanine.
Molecular consequence: missense variant.
Genome position (GRCh38, 1-based): chr5:132,392,606, G>T. VCF-style: chr5-132392606-G-T. GRCh37 (hg19) VCF-style: chr5-131728298-G-T.
Other names: c.1513G>T, p.Val505Phe (NM_001308122.2); short protein forms V505F.
Identifiers: ClinVar variation 2725233 (VCV002725233.3), dbSNP rs11568513, ClinGen allele CA342687.